The following is an entry in ClinVar:

NM_018714.3(COG1):c.2805+449G>A

Genes: COG1 (component of oligomeric golgi complex 1; plus strand), VCF1 (VCP nuclear cofactor family member 1; minus strand). Cytogenetic location: 17q25.1.
Variant type: single nucleotide variant.
Coding change: c.2805+449G>A on transcript NM_018714.3 (MANE Select); 449 bases into the intron after coding-DNA position 2805, G replaced by A.
Molecular consequence: intron variant. On other transcripts: 3 prime UTR variant (5).
Genome position (GRCh38, 1-based): chr17:73,207,705, G>A. VCF-style: chr17-73207705-G-A. GRCh37 (hg19) VCF-style: chr17-71203844-G-A.
Other names: c.*1824C>T (NM_001098832.2, NM_001289412.2, NM_032837.3); c.*1973C>T (NM_001289410.1, NM_001289411.1).
Identifiers: ClinVar variation 5038640 (VCV005038640.1).

ClinVar aggregate classification (germline): Likely benign (1 of 4 stars; one submission).

gnomAD v4.1: 408 of 1,292,184 alleles (0.032%); highest among the groups gnomAD compares: East Asian, 0.68%; 1 homozygote.

Submission:

CeGaT Center for Human Genetics Tuebingen
Classification: Likely benign. Last evaluated: 2026-08-01. Review status: criteria provided, single submitter. Criteria: CeGaT Center For Human Genetics Tuebingen Variant Classification Criteria Version 2. Collection method: clinical testing. Allele origin: germline. Affected: yes. Observed: 1 variant allele.
Comment: COG1: BP4, BS2